The following is an entry in ClinVar:

ClinVar aggregate classification (germline): Uncertain significance. Review status: criteria provided, multiple submitters, no conflicts (2 of 4 stars). 2 submissions from 2 submitters: Uncertain significance (2). Last evaluated 2025-08-20.

Conditions:
Inborn genetic diseases. Identifiers: MedGen C0950123, MeSH D030342.

gnomAD v4.1: 1 of 1,612,552 alleles (0.000062%); highest among the groups gnomAD compares: Non-Finnish European, 0.000085%; no homozygotes.

Submissions (2):

Labcorp Genetics (formerly Invitae), Labcorp
Classification: Uncertain significance. Last evaluated: 2025-08-20. Review status: criteria provided, single submitter. Criteria: Invitae Variant Classification Sherloc (09022015). Collection method: clinical testing. Allele origin: germline.
Comment: This sequence change replaces leucine, which is neutral and non-polar, with valine, which is neutral and non-polar, at codon 722 of the CUL3 protein (p.Leu722Val). This variant is not present in population databases (gnomAD no frequency). This variant has not been reported in the literature in individuals affected with CUL3-related conditions. ClinVar contains an entry for this variant (Variation ID: 3078952). Invitae Evidence Modeling of protein sequence and biophysical properties (such as structural, functional, and spatial information, amino acid conservation, physicochemical variation, residue mobility, and thermodynamic stability) indicates that this missense variant is expected to disrupt CUL3 protein function with a positive predictive value of 95%. In summary, the available evidence is currently insufficient to determine the role of this variant in disease. Therefore, it has been classified as a Variant of Uncertain Significance.

Ambry Genetics
Classification: Uncertain significance for Inborn genetic diseases. Last evaluated: 2024-01-24. Review status: criteria provided, single submitter. Criteria: Ambry Variant Classification Scheme 2023. Collection method: clinical testing. Allele origin: germline.

NM_003590.5(CUL3):c.2164C>G (p.Leu722Val)

Gene: CUL3 (cullin 3; minus strand). Cytogenetic location: 2q36.2.
Variant type: single nucleotide variant.
Coding change: c.2164C>G on transcript NM_003590.5 (MANE Select); coding-DNA position 2164, C replaced by G.
Protein change: p.Leu722Val; replaces leucine 722 with valine.
Molecular consequence: missense variant.
Genome position (GRCh38, 1-based): chr2:224,478,211, G>C on the plus strand (C>G on the coding strand, the complement: CUL3 is on the minus strand). VCF-style: chr2-224478211-G-C. GRCh37 (hg19) VCF-style: chr2-225342928-G-C.
Other names: c.1966C>G, p.Leu656Val (NM_001257197.2); c.2182C>G, p.Leu728Val (NM_001257198.2); short protein forms L722V, L656V, L728V.
Identifiers: ClinVar variation 3078952 (VCV003078952.2), dbSNP rs1378177790, ClinGen allele CA350821588.